The following is an entry in ClinVar:

ClinVar aggregate classification (germline): Uncertain significance (0 of 4 stars; one submission).

Submission:

Genetic Services Laboratory, University of Chicago
Classification: Uncertain significance. Last evaluated: 2022-07-18. Review status: no assertion criteria provided. Collection method: clinical testing. Allele origin: germline. Affected: no.
Comment: DNA sequence analysis of the SLX4 gene demonstrated a sequence change, c.2615G>A, in exon 12 that results in an amino acid change, p.Gly872Asp. This sequence change does not appear to have been previously described in individuals with SLX4-related disorders and has also not been described in population databases such as ExAC and gnomAD. The p.Gly872Asp change affects a poorly conserved amino acid residue located in a domain of the SLX4 protein that is not known to be functional. The p.Gly872Asp substitution appears to be benign using several in-silico pathogenicity prediction tools (SIFT, PolyPhen2, Align GVGD, REVEL). Due to insufficient evidences and the lack of functional studies, the clinical significance of the p.Gly872Asp change remains unknown at this time.

NM_032444.4(SLX4):c.2615G>A (p.Gly872Asp)

Gene: SLX4 (SLX4 structure-specific endonuclease subunit; minus strand). Cytogenetic location: 16p13.3.
Variant type: single nucleotide variant.
Coding change: c.2615G>A on transcript NM_032444.4 (MANE Select); coding-DNA position 2615, G replaced by A.
Protein change: p.Gly872Asp; replaces glycine 872 with aspartic acid.
Molecular consequence: missense variant.
Genome position (GRCh38, 1-based): chr16:3,591,023, C>T on the plus strand (G>A on the coding strand, the complement: SLX4 is on the minus strand). VCF-style: chr16-3591023-C-T. GRCh37 (hg19) VCF-style: chr16-3641024-C-T.
Other names: short protein forms G872D.
Identifiers: ClinVar variation 2443265 (VCV002443265.2), dbSNP rs2151125551, ClinGen allele CA394523317.
Genomic context (GRCh38, chr16:3,591,023, plus strand): 5'-GCTAGGAGTTGCCCAGAAACCGGACTGCCACCCTCCAGCCAGTCAGCGTCCTCGCCGGCA[C>T]CCGCTGCCCTTTCTTCCTGGAGAAGCTTTCGCTGAGTAGCTGCAAATTCATAAATTTCTT-3'
Protein context (NP_115820.2, residues 862-882): RKLLQEERAA[Gly872Asp]AGEDADWLEG